The following is an entry in ClinVar:

ClinVar aggregate classification (germline): Likely pathogenic (1 of 4 stars; one submission).

Conditions:
Acute infantile liver failure due to synthesis defect of mtDNA-encoded proteins. Also called: Liver failure acute infantile; LIVER FAILURE, INFANTILE, TRANSIENT; TRMU Deficiency. Identifiers: Orphanet 217371, MedGen C3278664, MONDO:0013111, OMIM 613070.

Submission:

Natera, Inc.
Classification: Likely pathogenic for Acute infantile liver failure due to synthesis defect of mtDNA-encoded proteins. Last evaluated: 2024-11-08. Review status: criteria provided, single submitter. Criteria: Natera Variant Classification Schema (03/2026). Collection method: clinical testing. Allele origin: germline.
Comment: The c.82+1G>A variant in TRMU is a canonical splice donor site variant predicted to affect pre-mRNA splicing, which may result in an abnormal transcript and altered protein product. This variant is expected to result in nonsense mediated decay, truncation, or a dysfunctional protein product. This variant is rare in the general population with a frequency below the threshold expected for the associated phenotype(s). Given the available evidence, this variant is classified as Likely Pathogenic.

NM_018006.5(TRMU):c.82+1G>A

Gene: TRMU (tRNA mitochondrial 2-thiouridylase; plus strand). Cytogenetic location: 22q13.31.
Variant type: single nucleotide variant.
Coding change: c.82+1G>A on transcript NM_018006.5 (MANE Select); the canonical splice donor site of the intron after coding-DNA position 82, G replaced by A.
Molecular consequence: splice donor variant.
Genome position (GRCh38, 1-based): chr22:46,335,847, G>A. VCF-style: chr22-46335847-G-A. GRCh37 (hg19) VCF-style: chr22-46731744-G-A.
Other names: c.82+1G>A (NM_001282785.2); c.-154+1G>A (NM_001282782.2); c.-173+1G>A (NM_001282783.2, NM_001282784.2).
Identifiers: ClinVar variation 4816001 (VCV004816001.1).
Genomic context (GRCh38, chr22:46,335,847, plus strand): 5'-TGTGCGCCCTGTCCGGCGGCGTGGACAGCGCCGTGGCCGCGCTGCTGCTGAGGCGGAGAG[G>A]TGAGGCGTCCGAGGCTCCCGCCCCCCGCCGAGCGAATGTGTCCCCGGAAACCTGTCCCCG-3'